The following is an entry in ClinVar:

NM_004972.4(JAK2):c.1326+1G>T

Genes: INSL6 (insulin like 6; minus strand), JAK2 (Janus kinase 2; plus strand). Cytogenetic location: 9p24.1.
Variant type: single nucleotide variant.
Coding change: c.1326+1G>T on transcript NM_004972.4 (MANE Select); the canonical splice donor site of the intron after coding-DNA position 1326, G replaced by T.
Molecular consequence: splice donor variant.
Genome position (GRCh38, 1-based): chr9:5,066,790, G>T. VCF-style: chr9-5066790-G-T. GRCh37 (hg19) VCF-style: chr9-5066790-G-T.
Other names: c.1326+1G>T (NM_001322194.2, NM_001322195.2, NM_001322196.2); c.111+1G>T (NM_001322198.2, NM_001322199.2); c.879+1G>T (NM_001322204.2).
Identifiers: ClinVar variation 3365384 (VCV003365384.1).

ClinVar aggregate classification (germline): Uncertain significance (1 of 4 stars; one submission).

Submission:

GeneDx
Classification: Uncertain significance. Last evaluated: 2023-12-12. Review status: criteria provided, single submitter. Criteria: GeneDx Variant Classification Process June 2021. Collection method: clinical testing. Allele origin: germline. Affected: yes.
Comment: Not observed at significant frequency in large population cohorts (gnomAD); Canonical splice site variant in a gene or region of a gene for which loss of function is not a well-established mechanism of disease; Has not been previously published as pathogenic or benign to our knowledge